The following is an entry in ClinVar:

NM_000051.4(ATM):c.5579A>G (p.Asn1860Ser)

Gene: ATM (ATM serine/threonine kinase; plus strand). Cytogenetic location: 11q22.3.
Variant type: single nucleotide variant.
Coding change: c.5579A>G on transcript NM_000051.4 (MANE Select); coding-DNA position 5579, A replaced by G.
Protein change: p.Asn1860Ser; replaces asparagine 1860 with serine.
Molecular consequence: missense variant.
Genome position (GRCh38, 1-based): chr11:108,304,757, A>G. VCF-style: chr11-108304757-A-G. GRCh37 (hg19) VCF-style: chr11-108175484-A-G.
Other names: c.5579A>G, p.Asn1860Ser (NM_001351834.2); short protein forms N1860S.
Identifiers: ClinVar variation 919070 (VCV000919070.8), dbSNP rs2083597981, ClinGen allele CA382546125.
Genomic context (GRCh38, chr11:108,304,757, plus strand): 5'-CTGTACTTCCATACTTGATTCATGATATTTTACTCCAAGATACAAATGAATCATGGAGAA[A>G]TCTGCTTTCTACACATGTTCAGGGATTTTTCACCAGCTGTCTTCGACACTTCTCGCAAAC-3'
Protein context (NP_000042.3, residues 1850-1870): LLQDTNESWR[Asn1860Ser]LLSTHVQGFF

ClinVar aggregate classification (germline): Conflicting classifications of pathogenicity. Review status: criteria provided, conflicting classifications (1 of 4 stars). 3 submissions from 3 submitters: Uncertain significance (2); Likely benign (1). Last evaluated 2025-08-06.

Conditions:
Hereditary cancer-predisposing syndrome. Also called: Hereditary Cancer Syndrome; Hereditary neoplastic syndrome; Neoplastic Syndromes, Hereditary; Tumor predisposition. Identifiers: Orphanet 140162, MedGen C0027672, MeSH D009386, MONDO:0015356.
Ataxia-telangiectasia syndrome (AT). Also called: Ataxia-telangiectasia, complementation group E; LOUIS-BAR SYNDROME; Cerebello-oculocutaneous telangiectasia; Immunodeficiency with ataxia telangiectasia; Ataxia-telangiectasia, complementation group D; AT, COMPLEMENTATION GROUP C. Identifiers: Orphanet 100, MedGen C0004135, MONDO:0008840, OMIM 208900.

Submissions (3):

Ambry Genetics
Classification: Likely benign for Hereditary cancer-predisposing syndrome. Last evaluated: 2025-08-06. Review status: criteria provided, single submitter. Criteria: Ambry Variant Classification Scheme 2023. Collection method: clinical testing. Allele origin: germline.

Labcorp Genetics (formerly Invitae), Labcorp
Classification: Uncertain significance for Ataxia-telangiectasia syndrome. Last evaluated: 2025-03-04. Review status: criteria provided, single submitter. Criteria: Invitae Variant Classification Sherloc (09022015). Collection method: clinical testing. Allele origin: germline.
Comment: This sequence change replaces asparagine, which is neutral and polar, with serine, which is neutral and polar, at codon 1860 of the ATM protein (p.Asn1860Ser). This variant is not present in population databases (gnomAD no frequency). This variant has not been reported in the literature in individuals affected with ATM-related conditions. ClinVar contains an entry for this variant (Variation ID: 919070). Invitae Evidence Modeling of protein sequence and biophysical properties (such as structural, functional, and spatial information, amino acid conservation, physicochemical variation, residue mobility, and thermodynamic stability) indicates that this missense variant is not expected to disrupt ATM protein function with a negative predictive value of 95%. In summary, the available evidence is currently insufficient to determine the role of this variant in disease. Therefore, it has been classified as a Variant of Uncertain Significance.

Color Diagnostics, LLC DBA Color Health
Classification: Uncertain significance for Hereditary cancer-predisposing syndrome. Last evaluated: 2024-03-06. Review status: criteria provided, single submitter. Criteria: ACMG Guidelines, 2015. Collection method: clinical testing. Allele origin: germline.
Comment: This missense variant replaces asparagine with serine at codon 1860 of the ATM protein. Computational prediction suggests that this variant may not impact protein structure and function (internally defined REVEL score threshold <= 0.5, PMID: 27666373). Splice site prediction tools suggest that this variant may not impact RNA splicing. To our knowledge, functional studies have not been performed for this variant. This variant has not been reported in individuals affected with hereditary cancer in the literature. This variant has not been identified in the general population by the Genome Aggregation Database (gnomAD). The available evidence is insufficient to determine the role of this variant in disease conclusively. Therefore, this variant is classified as a Variant of Uncertain Significance.